The following is an entry in ClinVar:

ClinVar aggregate classification (germline): Uncertain significance (1 of 4 stars; one submission).

Conditions:
Myoclonic dystonia 11 (DYT11). Also called: DYT-SGCE; Myoclonic dystonia; Dystonia 11; Dystonia, alcohol responsive; Hereditary essential myoclonus; SGCE Myoclonus-Dystonia. Identifiers: Orphanet 36899, MedGen C1834570, MONDO:0008044, OMIM 159900.

Submission:

Labcorp Genetics (formerly Invitae), Labcorp
Classification: Uncertain significance for Myoclonic dystonia 11. Last evaluated: 2022-02-18. Review status: criteria provided, single submitter. Criteria: Invitae Variant Classification Sherloc (09022015). Collection method: clinical testing. Allele origin: germline.
Comment: In summary, the available evidence is currently insufficient to determine the role of this variant in disease. Therefore, it has been classified as a Variant of Uncertain Significance. Algorithms developed to predict the effect of missense changes on protein structure and function are either unavailable or do not agree on the potential impact of this missense change (SIFT: "Deleterious"; PolyPhen-2: "Benign"; Align-GVGD: "Class C0"). This variant has not been reported in the literature in individuals affected with SGCE-related conditions. This variant is not present in population databases (gnomAD no frequency). This sequence change replaces aspartic acid, which is acidic and polar, with histidine, which is basic and polar, at codon 11 of the SGCE protein (p.Asp11His).

NM_003919.3(SGCE):c.31G>C (p.Asp11His)

Gene: SGCE (sarcoglycan epsilon; minus strand). Cytogenetic location: 7q21.3.
Variant type: single nucleotide variant.
Coding change: c.31G>C on transcript NM_003919.3 (MANE Select); coding-DNA position 31, G replaced by C.
Protein change: p.Asp11His; replaces aspartic acid 11 with histidine.
Molecular consequence: missense variant. On other transcripts: 5 prime UTR variant (4).
Genome position (GRCh38, 1-based): chr7:94,656,068, C>G on the plus strand (G>C on the coding strand, the complement: SGCE is on the minus strand). VCF-style: chr7-94656068-C-G. GRCh37 (hg19) VCF-style: chr7-94285380-C-G.
Other names: c.31G>C, p.Asp11His (NM_001099400.2, NM_001099401.2, NM_001301139.2 and 4 more transcripts); c.-227G>C (NM_001346719.2); c.-305G>C (NM_001346720.2, NM_001362808.2); c.-233G>C (NM_001362807.2); short protein forms D11H.
Identifiers: ClinVar variation 2099033 (VCV002099033.4), dbSNP rs1386682017, ClinGen allele CA368393705.